The following is an entry in ClinVar:

NM_013276.4(SHPK):c.527G>C (p.Gly176Ala)

Gene: SHPK (sedoheptulokinase; minus strand). Cytogenetic location: 17p13.2.
Variant type: single nucleotide variant.
Coding change: c.527G>C on transcript NM_013276.4 (MANE Select); coding-DNA position 527, G replaced by C.
Protein change: p.Gly176Ala; replaces glycine 176 with alanine.
Molecular consequence: missense variant.
Genome position (GRCh38, 1-based): chr17:3,623,459, C>G on the plus strand (G>C on the coding strand, the complement: SHPK is on the minus strand). VCF-style: chr17-3623459-C-G. GRCh37 (hg19) VCF-style: chr17-3526753-C-G.
Other names: c.527G>C (NM_013276.2); short protein forms G176A.
Identifiers: ClinVar variation 2078058 (VCV002078058.7), dbSNP rs200299071, ClinGen allele CA8291293.

ClinVar aggregate classification (germline): Uncertain significance. Review status: criteria provided, multiple submitters, no conflicts (2 of 4 stars). 2 submissions from 2 submitters: Uncertain significance (2). Last evaluated 2025-05-19.

Allele frequency attached by ClinVar (database versions not stated): gnomAD 0.00011; TOPMed 0.00031; ExAC 0.00004; 1000 Genomes Project 0.00020; 1000 Genomes Project 30x 0.00031.

Submissions (2):

Ambry Genetics
Classification: Uncertain significance. Last evaluated: 2025-05-19. Review status: criteria provided, single submitter. Criteria: Ambry Variant Classification Scheme 2023. Collection method: clinical testing. Allele origin: germline.

Labcorp Genetics (formerly Invitae), Labcorp
Classification: Uncertain significance. Last evaluated: 2023-10-03. Review status: criteria provided, single submitter. Criteria: Invitae Variant Classification Sherloc (09022015). Collection method: clinical testing. Allele origin: germline.
Comment: This sequence change replaces glycine, which is neutral and non-polar, with alanine, which is neutral and non-polar, at codon 176 of the SHPK protein (p.Gly176Ala). This variant is present in population databases (rs200299071, gnomAD 0.01%). This variant has not been reported in the literature in individuals affected with SHPK-related conditions. ClinVar contains an entry for this variant (Variation ID: 2078058). An algorithm developed to predict the effect of missense changes on protein structure and function (PolyPhen-2) suggests that this variant is likely to be disruptive. In summary, the available evidence is currently insufficient to determine the role of this variant in disease. Therefore, it has been classified as a Variant of Uncertain Significance.